The following is an entry in ClinVar:

NM_003846.3(PEX11B):c.46C>T (p.Arg16Trp)

Gene: PEX11B (peroxisomal biogenesis factor 11 beta; minus strand). Cytogenetic location: 1q21.1.
Variant type: single nucleotide variant.
Coding change: c.46C>T on transcript NM_003846.3 (MANE Select); coding-DNA position 46, C replaced by T.
Protein change: p.Arg16Trp; replaces arginine 16 with tryptophan.
Molecular consequence: missense variant. On other transcripts: non-coding transcript variant (2).
Genome position (GRCh38, 1-based): chr1:145,918,643, G>A on the plus strand (C>T on the coding strand, the complement: PEX11B is on the minus strand). VCF-style: chr1-145918643-G-A. GRCh37 (hg19) VCF-style: chr1-145516446-C-T.
Other names: short protein forms R16W.
Identifiers: ClinVar variation 972062 (VCV000972062.10), dbSNP rs1553754374, ClinGen allele CA342125198.

ClinVar aggregate classification (germline): Uncertain significance (1 of 4 stars; one submission).

Submission:

Labcorp Genetics (formerly Invitae), Labcorp
Classification: Uncertain significance. Last evaluated: 2022-07-12. Review status: criteria provided, single submitter. Criteria: Invitae Variant Classification Sherloc (09022015). Collection method: clinical testing. Allele origin: germline.
Comment: This sequence change replaces arginine, which is basic and polar, with tryptophan, which is neutral and slightly polar, at codon 16 of the PEX11B protein (p.Arg16Trp). This variant is not present in population databases (gnomAD no frequency). This variant has not been reported in the literature in individuals affected with PEX11B-related conditions. ClinVar contains an entry for this variant (Variation ID: 972062). Algorithms developed to predict the effect of missense changes on protein structure and function are either unavailable or do not agree on the potential impact of this missense change (SIFT: "Deleterious"; PolyPhen-2: "Probably Damaging"; Align-GVGD: "Class C0"). In summary, the available evidence is currently insufficient to determine the role of this variant in disease. Therefore, it has been classified as a Variant of Uncertain Significance.